The following is an entry in ClinVar:

ClinVar aggregate classification (germline): Conflicting classifications of pathogenicity. Review status: criteria provided, conflicting classifications (1 of 4 stars). 3 submissions from 3 submitters: Uncertain significance (1); Likely benign (1). 1 of the submissions does not count toward it. Last evaluated 2025-09-08.

Conditions:
Autosomal recessive nonsyndromic hearing loss 79. Identifiers: Orphanet 90636, MedGen C2750082, MONDO:0013215, OMIM 613307.

Allele frequency attached by ClinVar (database versions not stated): gnomAD 0.00001; TOPMed 0.00003.

Submissions (3):

GeneDx
Classification: Uncertain significance. Last evaluated: 2025-09-08. Review status: criteria provided, single submitter. Criteria: GeneDx Variant Classification Process June 2021. Collection method: clinical testing. Allele origin: germline.
Comment: Not observed at significant frequency in large population cohorts (gnomAD); In silico analysis supports that this missense variant has a deleterious effect on protein structure/function; Has not been previously published as pathogenic or benign to our knowledge

Laboratory for Molecular Medicine, Mass General Brigham Personalized Medicine
Classification: Likely benign. Last evaluated: 2016-10-06. Review status: criteria provided, single submitter. Criteria: LMM Criteria. Collection method: clinical testing. Allele origin: germline. Observed: 2 variant alleles.
Comment: p.Pro686Leu in exon 3 of TPRN: This variant is not expected to have clinical sig nificance due to a lack of conservation across species, including mammals. Of no te, at least five mammalian species have a leucine (Leu) at this position despit e high nearby amino acid conservation. In addition, computational prediction too ls do not suggest a high likelihood of impact to the protein. It has been identi fied in 2/16500 South Asian chromosomes by the Exome Aggregation Consortium (ExA C).

Division of Human Genetics, Children's Hospital of Philadelphia
Classification: Uncertain significance for Autosomal recessive nonsyndromic hearing loss 79. Last evaluated: 2015-11-16. Review status: no assertion criteria provided. Collection method: research. Allele origin: paternal. Affected: yes. Study: CSER-PediSeq. Not counted in ClinVar's aggregate classification.

NM_001128228.3(TPRN):c.2057C>T (p.Pro686Leu)

Gene: TPRN (taperin; minus strand). Cytogenetic location: 9q34.3.
Variant type: single nucleotide variant.
Coding change: c.2057C>T on transcript NM_001128228.3 (MANE Select); coding-DNA position 2057, C replaced by T.
Protein change: p.Pro686Leu; replaces proline 686 with leucine.
Molecular consequence: missense variant.
Genome position (GRCh38, 1-based): chr9:137,192,275, G>A on the plus strand (C>T on the coding strand, the complement: TPRN is on the minus strand). VCF-style: chr9-137192275-G-A. GRCh37 (hg19) VCF-style: chr9-140086727-G-A.
Other names: short protein forms P686L.
Identifiers: ClinVar variation 165576 (VCV000165576.7), dbSNP rs727503520, ClinGen allele CA178314.